The following is an entry in ClinVar:

NM_002235.5(KCNA6):c.500del (p.Pro167fs)

Genes: KCNA6 (potassium voltage-gated channel subfamily A member 6; plus strand), KCNA6-AS1 (KCNA6 antisense RNA 1; minus strand). Cytogenetic location: 12p13.32.
Variant type: Deletion.
Coding change: c.500del on transcript NM_002235.5 (MANE Select); coding-DNA position 500, one base deleted (C; older notation c.500delC).
Protein change: p.Pro167fs; shifts the reading frame from proline 167.
Molecular consequence: frameshift variant. On other transcripts: non-coding transcript variant (3).
Genome position (GRCh38, 1-based): chr12:4,810,541, C deleted; the last of 3 consecutive C bases (chr12:4,810,539-4,810,541); deleting any one gives the same sequence. VCF-style (leftmost placement, unchanged base first): chr12-4810538-AC-A. GRCh37 (hg19) VCF-style: chr12-4919704-AC-A.
Other names: short protein forms P167fs.
Identifiers: ClinVar variation 5009345 (VCV005009345.1).

ClinVar aggregate classification (germline): Uncertain significance (1 of 4 stars; one submission).

Submission:

GeneDx
Classification: Uncertain significance. Last evaluated: 2026-03-19. Review status: criteria provided, single submitter. Criteria: GeneDx Variant Classification Process June 2021. Collection method: clinical testing. Allele origin: germline.
Comment: Not observed at significant frequency in large population cohorts (gnomAD); Has not been previously published as pathogenic or benign to our knowledge; Frameshift variant predicted to result in abnormal protein length as the last 363 amino acid(s) are replaced with 21 different amino acid(s) with an unclear effect on protein function